The following is an entry in ClinVar:

ClinVar aggregate classification (germline): other (0 of 4 stars; one submission).

Conditions:
Familial colorectal cancer. Identifiers: MedGen CN280943, MONDO:0023113. Disease mechanism: loss of function.

Allele frequency attached by ClinVar (database versions not stated): gnomAD 0.05907 and 0.05974; TOPMed 0.06568; 1000 Genomes Project 0.09305; 1000 Genomes Project 30x 0.09026.
gnomAD v4.1: 9,053 of 152,188 alleles (5.9%); highest among the groups gnomAD compares: East Asian, 14%; 474 homozygotes.

Submission:

Systems Biology Platform Zhejiang California International NanoSystems Institute
Classification: other for Familial colorectal cancer. Review status: no assertion criteria provided. Collection method: not provided. Allele origin: unknown.
ClinVar note: Converted during submission from cancer to other.

NM_000038.6(APC):c.834+3861T>C

Gene: APC (APC regulator of WNT signaling pathway; plus strand). Cytogenetic location: 5q22.2.
Variant type: single nucleotide variant.
Coding change: c.834+3861T>C on transcript NM_000038.6 (MANE Select); 3861 bases into the intron after coding-DNA position 834, T replaced by C.
Molecular consequence: intron variant.
Genome position (GRCh38, 1-based): chr5:112,805,244, T>C. VCF-style: chr5-112805244-T-C. GRCh37 (hg19) VCF-style: chr5-112140941-T-C.
Other names: c.834+3861T>C (NM_001354895.2, NM_001127510.3, NM_001354896.2 and 1 more transcripts); c.864+3861T>C (NM_001354897.2, NM_001354902.2); c.780+3861T>C (NM_001127511.3); c.759+3861T>C (NM_001354898.2, NM_001354904.2); c.-202+3861T>C (NM_001354906.2); c.750+3861T>C (NM_001354899.2); c.657+3861T>C (NM_001354900.2, NM_001354901.2, NM_001354905.2).
Identifiers: ClinVar variation 82523 (VCV000082523.2), dbSNP rs79627126, ClinGen allele CA014771.